The following is an entry in ClinVar:

ClinVar aggregate classification (germline): Uncertain significance (1 of 4 stars; one submission).

Conditions:
RFT1-congenital disorder of glycosylation (CDG1N). Also called: Congenital disorder of glycosylation type In; CDG In; RFT1-CDG. Identifiers: Orphanet 244310, MedGen C2677590, MONDO:0012783, OMIM 612015.

Allele frequency attached by ClinVar (database versions not stated): gnomAD exomes below 0.00001; ExAC 0.00002.
gnomAD v4.1: 1 of 1,612,288 alleles (0.000062%); highest among the groups gnomAD compares: Non-Finnish European, 0.000085%; no homozygotes.

Submission:

Labcorp Genetics (formerly Invitae), Labcorp
Classification: Uncertain significance for RFT1-congenital disorder of glycosylation. Last evaluated: 2022-03-06. Review status: criteria provided, single submitter. Criteria: Invitae Variant Classification Sherloc (09022015). Collection method: clinical testing. Allele origin: germline.
Comment: This sequence change replaces serine, which is neutral and polar, with cysteine, which is neutral and slightly polar, at codon 207 of the RFT1 protein (p.Ser207Cys). This variant is present in population databases (rs758629887, gnomAD 0.002%). This variant has not been reported in the literature in individuals affected with RFT1-related conditions. Algorithms developed to predict the effect of missense changes on protein structure and function (SIFT, PolyPhen-2, Align-GVGD) all suggest that this variant is likely to be tolerated. In summary, the available evidence is currently insufficient to determine the role of this variant in disease. Therefore, it has been classified as a Variant of Uncertain Significance.

NM_052859.4(RFT1):c.620C>G (p.Ser207Cys)

Gene: RFT1 (RFT1 glycolipid translocator homolog; minus strand). Cytogenetic location: 3p21.1.
Variant type: single nucleotide variant.
Coding change: c.620C>G on transcript NM_052859.4 (MANE Select); coding-DNA position 620, C replaced by G.
Protein change: p.Ser207Cys; replaces serine 207 with cysteine.
Molecular consequence: missense variant.
Genome position (GRCh38, 1-based): chr3:53,119,960, G>C on the plus strand (C>G on the coding strand, the complement: RFT1 is on the minus strand). VCF-style: chr3-53119960-G-C. GRCh37 (hg19) VCF-style: chr3-53153976-G-C.
Other names: short protein forms S207C.
Identifiers: ClinVar variation 2107432 (VCV002107432.4), dbSNP rs758629887, ClinGen allele CA2451396.